The following is an entry in ClinVar:

ClinVar aggregate classification (germline): Conflicting classifications of pathogenicity. Review status: criteria provided, conflicting classifications (1 of 4 stars). 2 submissions from 2 submitters: Likely pathogenic (1); Uncertain significance (1). Last evaluated 2022-09-14.

Conditions:
Melanoma-pancreatic cancer syndrome. Identifiers: Orphanet 404560, MedGen C1838547, MONDO:0011713, OMIM 606719. Disease mechanism: loss of function.
Melanoma, cutaneous malignant, susceptibility to, 2 (CMM2). Also called: CDKN2A-Related Cutaneous Malignant Melanoma; Cutaneous malignant melanoma 2. Identifiers: Orphanet 618, MedGen C1835044, MONDO:0007964, OMIM 155601.
Melanoma and neural system tumor syndrome. Also called: MELANOMA-ASTROCYTOMA SYNDROME. Identifiers: Orphanet 252206, MedGen C1835042, MONDO:0007967, OMIM 155755.
CDKN2A-related disorder. Also called: CDKN2A-related condition.

Submissions (2):

PreventionGenetics, part of Exact Sciences
Classification: Uncertain significance for CDKN2A-related condition. Last evaluated: 2022-09-14. Review status: criteria provided, single submitter. Criteria: ACMG Guidelines, 2015. Collection method: clinical testing. Allele origin: germline.
Comment: The CDKN2A c.151-1104C>G variant is predicted to interfere with splicing. This variant was segregated with Melanoma in a large family. However, RT-PCR did not show aberrant splicing in mRNA isolated from a lymphoblastoid cell line carrying this variant (Harland et al 2005. PubMed ID: 15761864). This variant was classified as pathogenic by GenoMEL Study Group (Taylor et al. 2017. PubMed ID: 28830827). This variant has not been reported in a large population database, indicating this variant is rare. Although we suspect that this variant may be pathogenic, at this time, the clinical significance of this variant is uncertain due to the absence of conclusive functional and genetic evidence.

Department of Pathology and Laboratory Medicine, Sinai Health System
Classification: Likely pathogenic for Melanoma, cutaneous malignant, susceptibility to, 2; Melanoma and neural system tumor syndrome; Melanoma-pancreatic cancer syndrome. Review status: criteria provided, single submitter. Criteria: ACMG Guidelines, 2015. Collection method: clinical testing. Allele origin: germline.

NM_000077.5(CDKN2A):c.151-1104C>G

Gene: CDKN2A (cyclin dependent kinase inhibitor 2A; minus strand). Cytogenetic location: 9p21.3.
Variant type: single nucleotide variant.
Coding change: c.151-1104C>G on transcript NM_000077.5 (MANE Select); 1104 bases into the intron before coding-DNA position 151, C replaced by G.
Molecular consequence: intron variant.
Genome position (GRCh38, 1-based): chr9:21,972,312, G>C on the plus strand (C>G on the coding strand, the complement: CDKN2A is on the minus strand). VCF-style: chr9-21972312-G-C. GRCh37 (hg19) VCF-style: chr9-21972311-G-C.
Other names: c.-3-1104C>G (NM_001363763.2); c.194-1104C>G (NM_058195.4); c.151-1104C>G (NM_001195132.2); c.*74-1104C>G (NM_058197.5).
Identifiers: ClinVar variation 2631850 (VCV002631850.2), dbSNP rs1819804753, ClinGen allele CA1839164405.